The following is an entry in ClinVar:

NM_005236.3(ERCC4):c.1762G>A (p.Val588Ile)

Gene: ERCC4 (ERCC excision repair 4, endonuclease catalytic subunit; plus strand). Cytogenetic location: 16p13.12.
Variant type: single nucleotide variant.
Coding change: c.1762G>A on transcript NM_005236.3 (MANE Select); coding-DNA position 1762, G replaced by A.
Protein change: p.Val588Ile; replaces valine 588 with isoleucine.
Molecular consequence: missense variant.
Genome position (GRCh38, 1-based): chr16:13,935,694, G>A. VCF-style: chr16-13935694-G-A. GRCh37 (hg19) VCF-style: chr16-14029551-G-A.
Other names: short protein forms V588I.
Identifiers: ClinVar variation 2074753 (VCV002074753.11), dbSNP rs777006157, ClinGen allele CA7910530.

ClinVar aggregate classification (germline): Uncertain significance. Review status: criteria provided, multiple submitters, no conflicts (2 of 4 stars). 5 submissions from 5 submitters: Uncertain significance (5). Last evaluated 2025-08-13.

Conditions:
Fanconi anemia complementation group Q. Identifiers: Orphanet 84, MedGen C3808988, MONDO:0014108, OMIM 615272.
Xeroderma pigmentosum, group F (XPF). Also called: XERODERMA PIGMENTOSUM, TYPE F; Xeroderma pigmentosum, type 6; XERODERMA PIGMENTOSUM, COMPLEMENTATION GROUP F; XERODERMA PIGMENTOSUM VI; XP, GROUP F; ERCC4-Related Xeroderma Pigmentosum. Identifiers: MedGen C0268140, MONDO:0010215, OMIM 278760.
Cockayne syndrome. Identifiers: Orphanet 191, MedGen C0009207, MONDO:0016006.
Inborn genetic diseases. Identifiers: MedGen C0950123, MeSH D030342.

Allele frequency attached by ClinVar (database versions not stated): gnomAD 0.00003; TOPMed 0.00004; gnomAD exomes 0.00007; ExAC 0.00003.
gnomAD v4.1: 113 of 1,614,058 alleles (0.007%); highest among the groups gnomAD compares: Non-Finnish European, 0.009%; no homozygotes.

Submissions (5):

Ambry Genetics
Classification: Uncertain significance for Inborn genetic diseases. Last evaluated: 2025-08-13. Review status: criteria provided, single submitter. Criteria: Ambry Variant Classification Scheme 2023. Collection method: clinical testing. Allele origin: germline.

Labcorp Genetics (formerly Invitae), Labcorp
Classification: Uncertain significance for Fanconi anemia complementation group Q; Xeroderma pigmentosum, group F; Cockayne syndrome. Last evaluated: 2024-08-13. Review status: criteria provided, single submitter. Criteria: Invitae Variant Classification Sherloc (09022015). Collection method: clinical testing. Allele origin: germline.
Comment: This sequence change replaces valine, which is neutral and non-polar, with isoleucine, which is neutral and non-polar, at codon 588 of the ERCC4 protein (p.Val588Ile). This variant is present in population databases (rs777006157, gnomAD 0.005%). This variant has not been reported in the literature in individuals affected with ERCC4-related conditions. ClinVar contains an entry for this variant (Variation ID: 2074753). Invitae Evidence Modeling of protein sequence and biophysical properties (such as structural, functional, and spatial information, amino acid conservation, physicochemical variation, residue mobility, and thermodynamic stability) indicates that this missense variant is not expected to disrupt ERCC4 protein function with a negative predictive value of 80%. In summary, the available evidence is currently insufficient to determine the role of this variant in disease. Therefore, it has been classified as a Variant of Uncertain Significance.

St. Jude Molecular Pathology, St. Jude Children's Research Hospital
Classification: Uncertain significance for Fanconi anemia complementation group Q. Last evaluated: 2023-08-01. Review status: criteria provided, single submitter. Criteria: St. Jude Assertion Criteria 2020. Collection method: clinical testing. Allele origin: germline.
Comment: The ERCC4 c.1762G>A (p.Val588Ile) missense change has a maximum subpopulation frequency of 0.005% in gnomAD v2.1.1. The in silico tool REVEL predicts a benign effect on protein function, but this prediction has not been confirmed by functional studies. This variant has not been reported in individuals with Fanconi anemia or xeroderma pigmentosum. In summary, the evidence currently available is insufficient to determine the clinical significance of this variant. It has therefore been classified as of uncertain significance.

Revvity Omics, Revvity
Classification: Uncertain significance. Last evaluated: 2023-01-26. Review status: criteria provided, single submitter. Criteria: ACMG Guidelines, 2015. Collection method: clinical testing. Allele origin: germline.

Blueprint Genetics
Classification: Uncertain significance. Last evaluated: 2022-01-19. Review status: criteria provided, single submitter. Criteria: ACMG Guidelines, 2015. Collection method: clinical testing. Allele origin: germline.